The following is an entry in ClinVar:

ClinVar aggregate classification (germline): Likely benign (1 of 4 stars; one submission).

Conditions:
HSD17B4-related disorder. Also called: HSD17B4-related condition; HSD17B4-related disorders.

Submission:

PreventionGenetics, part of Exact Sciences
Classification: Likely benign for HSD17B4-related condition. Last evaluated: 2025-10-12. Review status: criteria provided, single submitter. Criteria: ACMG Guidelines, 2015. Collection method: clinical testing. Allele origin: germline.
Comment: This variant is classified as likely benign based on ACMG/AMP sequence variant interpretation guidelines (Richards et al. 2015 PMID: 25741868, with internal and published modifications).

NM_000414.4(HSD17B4):c.1574-10C>A

Gene: HSD17B4 (hydroxysteroid 17-beta dehydrogenase 4; plus strand). Cytogenetic location: 5q23.1.
Variant type: single nucleotide variant.
Coding change: c.1574-10C>A on transcript NM_000414.4 (MANE Select); 10 bases into the intron before coding-DNA position 1574, C replaced by A.
Molecular consequence: intron variant.
Genome position (GRCh38, 1-based): chr5:119,525,907, C>A. VCF-style: chr5-119525907-C-A. GRCh37 (hg19) VCF-style: chr5-118861602-C-A.
Other names: c.1163-10C>A (NM_001374503.1, NM_001374502.1, NM_001374501.1); c.1649-10C>A (NM_001199291.3); c.1247-10C>A (NM_001374499.1); c.1133-10C>A (NM_001374500.1); c.1154-10C>A (NM_001292028.2); c.1502-10C>A (NM_001292027.2, NM_001374498.1); c.1565-10C>A (NM_001374497.1); c.1520-10C>A (NM_001199292.2).
Identifiers: ClinVar variation 4993180 (VCV004993180.1).
Genomic context (GRCh38, chr5:119,525,907, plus strand): 5'-GAATTAACTACACTTGATTTTTAAACTTTAAAGGTACCTGTATCTAACTCAGTGTTCTCT[C>A]TTTTCCTAGGTTTTGACAAGCCCATATTACATGGATTATGTACATTTGGATTTTCTGCCA-3'